The following is an entry in ClinVar:

NM_001379500.1(COL18A1):c.2438G>A (p.Arg813His)

Gene: COL18A1 (collagen type XVIII alpha 1 chain; plus strand). Cytogenetic location: 21q22.3.
Variant type: single nucleotide variant.
Coding change: c.2438G>A on transcript NM_001379500.1 (MANE Select); coding-DNA position 2438, G replaced by A.
Protein change: p.Arg813His; replaces arginine 813 with histidine.
Molecular consequence: missense variant.
Genome position (GRCh38, 1-based): chr21:45,495,362, G>A. VCF-style: chr21-45495362-G-A. GRCh37 (hg19) VCF-style: chr21-46915276-G-A.
Other names: NM_130445.2:c.2438G>A; c.2978G>A, p.Arg993His (NM_030582.4); c.3683G>A, p.Arg1228His (NM_130444.3); short protein forms R1228H, R993H, R813H.
Identifiers: ClinVar variation 1496775 (VCV001496775.7), dbSNP rs1322668436, ClinGen allele CA410497732.

ClinVar aggregate classification (germline): Uncertain significance. Review status: criteria provided, multiple submitters, no conflicts (2 of 4 stars). 2 submissions from 2 submitters: Uncertain significance (2). Last evaluated 2022-03-14.

Conditions:
Inborn genetic diseases. Identifiers: MedGen C0950123, MeSH D030342.

Allele frequency attached by ClinVar (database versions not stated): TOPMed below 0.00001; gnomAD exomes 0.00001.
gnomAD v4.1: 11 of 1,608,774 alleles (0.00068%); highest among the groups gnomAD compares: East Asian, 0.0022%; no homozygotes.

Submissions (2):

Labcorp Genetics (formerly Invitae), Labcorp
Classification: Uncertain significance. Last evaluated: 2022-03-14. Review status: criteria provided, single submitter. Criteria: Invitae Variant Classification Sherloc (09022015). Collection method: clinical testing. Allele origin: germline.
Comment: In summary, the available evidence is currently insufficient to determine the role of this variant in disease. Therefore, it has been classified as a Variant of Uncertain Significance. Experimental studies and prediction algorithms are not available or were not evaluated, and the functional significance of this variant is currently unknown. This variant has not been reported in the literature in individuals affected with COL18A1-related conditions. This variant is not present in population databases (gnomAD no frequency). This sequence change replaces arginine, which is basic and polar, with histidine, which is basic and polar, at codon 813 of the COL18A1 protein (p.Arg813His).

Ambry Genetics
Classification: Uncertain significance for Inborn genetic diseases. Last evaluated: 2021-04-15. Review status: criteria provided, single submitter. Criteria: Ambry Variant Classification Scheme 2023. Collection method: clinical testing. Allele origin: germline.
Comment: The c.2438G>A (p.R813H) alteration is located in exon 29 (coding exon 29) of the COL18A1 gene. This alteration results from a G to A substitution at nucleotide position 2438, causing the arginine (R) at amino acid position 813 to be replaced by a histidine (H). Reported as a post-zygotic mosaic mutation in one proband with autism; however, no second COL18A1 variant was identified (Lim, 2017) The p.R813H alteration is predicted to be tolerated by in silico analysis. Based on insufficient or conflicting evidence, the clinical significance of this alteration remains unclear.

Literature cited by the submitters: PubMed 28714951 (cited by Ambry Genetics).